The following is an entry in ClinVar:

NM_000537.4(REN):c.819-10C>A

Gene: REN (renin; minus strand). Cytogenetic location: 1q32.1.
Variant type: single nucleotide variant.
Coding change: c.819-10C>A on transcript NM_000537.4 (MANE Select); 10 bases into the intron before coding-DNA position 819, C replaced by A.
Molecular consequence: intron variant.
Genome position (GRCh38, 1-based): chr1:204,156,329, G>T on the plus strand (C>A on the coding strand, the complement: REN is on the minus strand). VCF-style: chr1-204156329-G-T. GRCh37 (hg19) VCF-style: chr1-204125457-G-T.
Other names: c.819-10C>A (NM_000537.3).
Identifiers: ClinVar variation 2081850 (VCV002081850.6), dbSNP rs763874988, ClinGen allele CA1344750.
Genomic context (GRCh38, chr1:204,156,329, plus strand): 5'-AATGCCAGGCAGCCGTCTTCACAGAGCAAGGTGGATGACCCCACAGACACCCTGGGGGAG[G>T]CCACAGTCAGACAGACAGACAGACAGACAGACAGAAGGCTGATGGGGCACCTCCAGGCTG-3'

ClinVar aggregate classification (germline): Benign. Review status: criteria provided, single submitter (1 of 4 stars). 2 submissions from 2 submitters: Benign (1). 1 of the submissions does not count toward it. Last evaluated 2025-11-27.

Conditions:
REN-related disorder. Also called: REN-related condition.

Allele frequency attached by ClinVar (database versions not stated): ExAC 0.00029.
gnomAD v4.1: 105 of 1,494,036 alleles (0.007%); highest among the groups gnomAD compares: Admixed American, 0.2%; no homozygotes.

Submissions (2):

Labcorp Genetics (formerly Invitae), Labcorp
Classification: Benign. Last evaluated: 2025-11-27. Review status: criteria provided, single submitter. Criteria: Invitae Variant Classification Sherloc (09022015). Collection method: clinical testing. Allele origin: germline.

PreventionGenetics, part of Exact Sciences
Classification: Likely benign for REN-related condition. Last evaluated: 2022-02-28. Review status: no assertion criteria provided. Collection method: clinical testing. Allele origin: germline. Not counted in ClinVar's aggregate classification.
Comment: This variant is classified as likely benign based on ACMG/AMP sequence variant interpretation guidelines (Richards et al. 2015 PMID: 25741868, with internal and published modifications).